The following is an entry in ClinVar:

ClinVar aggregate classification (germline): Likely benign (0 of 4 stars; one submission).

Conditions:
SEC63-related disorder. Also called: SEC63-related condition.

Submission:

PreventionGenetics, part of Exact Sciences
Classification: Likely benign for SEC63-related condition. Last evaluated: 2019-02-21. Review status: no assertion criteria provided. Collection method: clinical testing. Allele origin: germline.
Comment: This variant is classified as likely benign based on ACMG/AMP sequence variant interpretation guidelines (Richards et al. 2015 PMID: 25741868, with internal and published modifications).

NM_007214.5(SEC63):c.2103C>T (p.Asp701=)

Gene: SEC63 (SEC63 homolog, protein translocation regulator; minus strand). Cytogenetic location: 6q21.
Variant type: single nucleotide variant.
Coding change: c.2103C>T on transcript NM_007214.5 (MANE Select); coding-DNA position 2103, C replaced by T.
Protein change: p.Asp701=; no amino-acid change (aspartic acid 701 retained).
Molecular consequence: synonymous variant.
Genome position (GRCh38, 1-based): chr6:107,872,844, G>A on the plus strand (C>T on the coding strand, the complement: SEC63 is on the minus strand). VCF-style: chr6-107872844-G-A. GRCh37 (hg19) VCF-style: chr6-108194048-G-A.
Identifiers: ClinVar variation 3058489 (VCV003058489.2), dbSNP rs747733830, ClinGen allele CA451572261.
Genomic context (GRCh38, chr6:107,872,844, plus strand): 5'-TTATTGAAGAGTCACTATTCTTACCTTCAATGGTTTAATCTGATCCAAACCCATATAGGA[G>A]TCTGATCTCAGAAACACAGTATACTGATAATTTCCAGGCTTGCCTGGTGCAGGAAACTTC-3'
Protein context (NP_009145.1, residues 691-711): NYQYTVFLRS[Asp701=]SYMGLDQIKP